The following is an entry in ClinVar:

NC_000016.9:g.(?_8851594)_(8941702_?)dup

Genes: ABAT (4-aminobutyrate aminotransferase; plus strand), PMM2 (phosphomannomutase 2; plus strand), TMEM186 (transmembrane protein 186; minus strand), LOC130058390 (ATAC-STARR-seq lymphoblastoid silent region 7177; plus strand), LOC130058392 (ATAC-STARR-seq lymphoblastoid silent region 7179; plus strand) and 2 more. Cytogenetic location: 16p13.2.
Variant type: Duplication.
Identifiers: ClinVar variation 660704 (VCV000660704.1).

ClinVar aggregate classification (germline): Uncertain significance (1 of 4 stars; one submission).

Conditions:
Gamma-aminobutyric acid transaminase deficiency (GABATD). Also called: GABA transaminase deficiency; Gamma aminobutyrate transaminase deficiency; 4 alpha aminobutyrate transaminase deficiency; GABA aminotransaminase deficiency. Identifiers: Orphanet 2066, MedGen C0342708, MONDO:0013166, OMIM 613163.

Submission:

Labcorp Genetics (formerly Invitae), Labcorp
Classification: Uncertain significance for Gamma-aminobutyric acid transaminase deficiency. Last evaluated: 2018-08-28. Review status: criteria provided, single submitter. Criteria: Invitae Variant Classification Sherloc (09022015). Collection method: clinical testing. Allele origin: germline.
Comment: This variant results in a copy number gain of the genomic region encompassing exons 6-16 of the ABAT gene. The 5' boundary is likely confined to intron 5. The 3' end of this event is unknown as it extends beyond the assayed region for this gene and therefore may encompass additional genes. As the precise location of this event is unknown, it may be in tandem or it may be located elsewhere in the genome. This variant has not been reported in the literature in individuals with ABAT-related disease. Experimental studies and prediction algorithms are not available for this variant, and the functional significance of the affected amino acid(s) is currently unknown. In summary, the available evidence is currently insufficient to determine the role of this variant in disease. Therefore, it has been classified as a Variant of Uncertain Significance.